The following is an entry in ClinVar:

NM_016139.4(CHCHD2):c.361T>G (p.Phe121Val)

Gene: CHCHD2 (coiled-coil-helix-coiled-coil-helix domain containing 2; minus strand). Cytogenetic location: 7p11.2.
Variant type: single nucleotide variant.
Coding change: c.361T>G on transcript NM_016139.4 (MANE Select); coding-DNA position 361, T replaced by G.
Protein change: p.Phe121Val; replaces phenylalanine 121 with valine.
Molecular consequence: missense variant.
Genome position (GRCh38, 1-based): chr7:56,102,951, A>C on the plus strand (T>G on the coding strand, the complement: CHCHD2 is on the minus strand). VCF-style: chr7-56102951-A-C. GRCh37 (hg19) VCF-style: chr7-56170644-A-C.
Other names: c.361T>G, p.Phe121Val (NM_001320327.2); short protein forms F121V.
Identifiers: ClinVar variation 2061748 (VCV002061748.4), dbSNP rs1785316360, ClinGen allele CA367612434.

ClinVar aggregate classification (germline): Uncertain significance (1 of 4 stars; one submission).

Allele frequency attached by ClinVar (database versions not stated): gnomAD exomes below 0.00001; gnomAD 0.00001.
gnomAD v4.1: 5 of 1,614,034 alleles (0.00031%); highest among the groups gnomAD compares: South Asian, 0.0055%; no homozygotes.

Submission:

Labcorp Genetics (formerly Invitae), Labcorp
Classification: Uncertain significance. Last evaluated: 2021-12-27. Review status: criteria provided, single submitter. Criteria: Invitae Variant Classification Sherloc (09022015). Collection method: clinical testing. Allele origin: germline.
Comment: In summary, the available evidence is currently insufficient to determine the role of this variant in disease. Therefore, it has been classified as a Variant of Uncertain Significance. Algorithms developed to predict the effect of sequence changes on RNA splicing suggest that this variant may create or strengthen a splice site. Algorithms developed to predict the effect of missense changes on protein structure and function (SIFT, PolyPhen-2, Align-GVGD) all suggest that this variant is likely to be disruptive. This variant has not been reported in the literature in individuals affected with CHCHD2-related conditions. This variant is not present in population databases (gnomAD no frequency). This sequence change replaces phenylalanine, which is neutral and non-polar, with valine, which is neutral and non-polar, at codon 121 of the CHCHD2 protein (p.Phe121Val).